The following is an entry in ClinVar:

NM_001369268.1(ACAN):c.2483A>G (p.Glu828Gly)

Gene: ACAN (aggrecan; plus strand). Cytogenetic location: 15q26.1.
Variant type: single nucleotide variant.
Coding change: c.2483A>G on transcript NM_001369268.1 (MANE Select); coding-DNA position 2483, A replaced by G.
Protein change: p.Glu828Gly; replaces glutamic acid 828 with glycine.
Molecular consequence: missense variant.
Genome position (GRCh38, 1-based): chr15:88,855,068, A>G. VCF-style: chr15-88855068-A-G. GRCh37 (hg19) VCF-style: chr15-89398299-A-G.
Other names: c.2483A>G, p.Glu828Gly (NM_001135.4, NM_013227.4); short protein forms E828G.
Identifiers: ClinVar variation 1318983 (VCV001318983.5), dbSNP rs201767607, ClinGen allele CA7719877.

ClinVar aggregate classification (germline): Uncertain significance. Review status: criteria provided, multiple submitters, no conflicts (2 of 4 stars). 2 submissions from 2 submitters: Uncertain significance (2). Last evaluated 2024-09-18.

Conditions:
Inborn genetic diseases. Identifiers: MedGen C0950123, MeSH D030342.

Allele frequency attached by ClinVar (database versions not stated): ESP Exome Variant Server 0.00008; TOPMed 0.00012; gnomAD 0.00015 and 0.00016; gnomAD exomes 0.00015 and 0.00016; ExAC 0.00025.
gnomAD v4.1: 240 of 1,583,136 alleles (0.015%); highest among the groups gnomAD compares: Non-Finnish European, 0.018%; no homozygotes.

Submissions (2):

Ambry Genetics
Classification: Uncertain significance for Inborn genetic diseases. Last evaluated: 2024-09-18. Review status: criteria provided, single submitter. Criteria: Ambry Variant Classification Scheme 2023. Collection method: clinical testing. Allele origin: germline.

GeneDx
Classification: Uncertain significance. Last evaluated: 2019-09-22. Review status: criteria provided, single submitter. Criteria: GeneDx Variant Classification Process June 2021. Collection method: clinical testing. Allele origin: germline. Affected: yes.
Comment: In silico analysis, which includes protein predictors and evolutionary conservation, supports that this variant does not alter protein structure/function; Has not been previously published as pathogenic or benign to our knowledge